The following is an entry in ClinVar:

ClinVar aggregate classification (germline): Likely benign (0 of 4 stars; one submission).

Conditions:
HLX-related disorder. Also called: HLX-related condition.

Allele frequency attached by ClinVar (database versions not stated): ESP Exome Variant Server 0.00008; ExAC 0.00009; gnomAD exomes 0.00013; TOPMed 0.00013; 1000 Genomes Project 30x 0.00016; gnomAD 0.00016; 1000 Genomes Project 0.00020.
gnomAD v4.1: 207 of 1,614,110 alleles (0.013%); highest among the groups gnomAD compares: Admixed American, 0.033%; no homozygotes.

Submission:

PreventionGenetics, part of Exact Sciences
Classification: Likely benign for HLX-related condition. Last evaluated: 2022-12-07. Review status: no assertion criteria provided. Collection method: clinical testing. Allele origin: germline.
Comment: This variant is classified as likely benign based on ACMG/AMP sequence variant interpretation guidelines (Richards et al. 2015 PMID: 25741868, with internal and published modifications).

NM_021958.4(HLX):c.534T>C (p.Ile178=)

Gene: HLX (H2.0 like homeobox; plus strand). Cytogenetic location: 1q41.
Variant type: single nucleotide variant.
Coding change: c.534T>C on transcript NM_021958.4 (MANE Select); coding-DNA position 534, T replaced by C.
Protein change: p.Ile178=; no amino-acid change (isoleucine 178 retained).
Molecular consequence: synonymous variant.
Genome position (GRCh38, 1-based): chr1:220,880,391, T>C. VCF-style: chr1-220880391-T-C. GRCh37 (hg19) VCF-style: chr1-221053733-T-C.
Identifiers: ClinVar variation 3034582 (VCV003034582.2), dbSNP rs149312492, ClinGen allele CA1404755.